The following is an entry in ClinVar:

NM_007129.5(ZIC2):c.1376C>T (p.Ala459Val)

Genes: ZIC2 (Zic family member 2; plus strand), LOC110008580 (Zic family member 2 polyalanine repeat instability region; plus strand). Cytogenetic location: 13q32.3.
Variant type: single nucleotide variant.
Coding change: c.1376C>T on transcript NM_007129.5 (MANE Select); coding-DNA position 1376, C replaced by T.
Protein change: p.Ala459Val; replaces alanine 459 with valine.
Molecular consequence: missense variant.
Genome position (GRCh38, 1-based): chr13:99,985,459, C>T. VCF-style: chr13-99985459-C-T. GRCh37 (hg19) VCF-style: chr13-100637713-C-T.
Other names: short protein forms A459V.
Identifiers: ClinVar variation 3032994 (VCV003032994.2), dbSNP rs2053260650, ClinGen allele CA388639444.
Genomic context (GRCh38, chr13:99,985,459, plus strand): 5'-GGCTGGTGTCCCCCAGCGCCGAGCCCCAGAGCAGCTCCAACCTGTCCCCAGCGGCGGCGG[C>T]AGCGGCGGCGGCGGCTGCGGCGGCGGCGGCCGCGGTGTCCGCGGTGCACCGGGGCGGAGG-3'
Protein context (NP_009060.2, residues 449-469): SSSNLSPAAA[Ala459Val]AAAAAAAAAA

ClinVar aggregate classification (germline): Uncertain significance (0 of 4 stars; one submission).

Conditions:
ZIC2-related disorder. Also called: ZIC2-related condition.

Allele frequency attached by ClinVar (database versions not stated): TOPMed below 0.00001.

Submission:

PreventionGenetics, part of Exact Sciences
Classification: Uncertain significance for ZIC2-related condition. Last evaluated: 2023-10-18. Review status: no assertion criteria provided. Collection method: clinical testing. Allele origin: germline.
Comment: The ZIC2 c.1376C>T variant is predicted to result in the amino acid substitution p.Ala459Val. To our knowledge, this variant has not been reported in the literature or in a large population database, indicating this variant is rare. At this time, the clinical significance of this variant is uncertain due to the absence of conclusive functional and genetic evidence.